The following is an entry in ClinVar:

ClinVar aggregate classification (germline): not provided (0 of 4 stars; one submission).

Conditions:
Normal pregnancy. Identifiers: MedGen C0232989.

Submission:

Institute of Molecular and Cell Biology, University of Tartu
No classification provided. Condition: Normal pregnancy. Review status: no classification provided. Collection method: case-control. Allele origin: unknown. Affected: yes. Study: Kasak2014.
Comment: The study aimed to determine the contribution of copy number variants in the genetic etiology of normal and complicated pregnancies. The samples represented (i) maternal blood DNA drawn from healthy pregnant women during 1st or 2nd trimester and (ii) maternal and paternal blood DNA drawn at term pregnancy cases representing normal and complicated gestations (severe preeclampsia, PE; gestational diabetes, GD; small-for-gestational age newborn, SGA; large-for-gestational age newborn, LGA). We performed CNV calling based on genome-wide genotyping dataset (Illumina HumanOmniExpress-24-v1 BeadChip) by applying three algorithms, QuantiSNP, GADA (Genome Alteration Detection Algorithm) and CNstream in parallel. The acquired CNV calls were merged with HD-CNV (Hotspot Detector for Copy Number Variants) program and only the CNVs predicted by at least two programs, were considered in subsequent analysis.

Literature cited by the submitters: PubMed 25666259.

Single allele

Variant type: Duplication.
Genome position: GRCh38: chr3:20,535,981-20,542,182. GRCh37 (hg19): chr3:20,577,473-20,583,674.
Identifiers: ClinVar variation 156841 (VCV000156841.2).